The following is an entry in ClinVar:

ClinVar aggregate classification (germline): Uncertain significance (1 of 4 stars; one submission).

Conditions:
Leukodystrophy, hypomyelinating, 8, with or without oligodontia and/or hypogonadotropic hypogonadism. Also called: LEUKODYSTROPHY, HYPOMYELINATING, 8, WITH HYPODONTIA AND HYPOGONADOTROPIC HYPOGONADISM; Hypomyelinating leukodystrophy 8 with or without oligodontia and-or hypogonadotropic hypogonadism; Endosteal sclerosis-cerebellar hypoplasia syndrome. Identifiers: Orphanet 85186, Orphanet 88637, MedGen C3280644, MONDO:0013722, OMIM 614381.
Charcot-Marie-Tooth disease, demyelinating, IIA 1I. Also called: CHARCOT-MARIE-TOOTH NEUROPATHY, TYPE 1I; Charcot-Marie-Tooth disease, demyelinating, type 1I. Identifiers: MedGen C5676914, MONDO:0030677, OMIM 619742.

Submission:

University of Washington Department of Laboratory Medicine, University of Washington
Classification: Uncertain significance for Charcot-Marie-Tooth disease, demyelinating, IIA 1I; Leukodystrophy, hypomyelinating, 8, with or without oligodontia and/or hypogonadotropic hypogonadism. Last evaluated: 2022-10-19. Review status: criteria provided, single submitter. Criteria: ACMG Guidelines, 2015. Collection method: clinical testing. Allele origin: de novo. Affected: yes.
Comment: This variant was absent from large population databases, including the Genome Aggregation Database. The POLR3B gene has fewer missense variants in the general population than expected. A low rate of missense variation may suggest that this gene is intolerant to missense variation. In silico tools do not consistently predict if the p.Ser212Gly variant impacts protein function; however, these predictions have not been tested directly. Using ACMG guidelines, this variant was classified as a variant of uncertain significance (ACMG evidence codes used: PS2_supporting, PM2_supporting, PP2).

NM_018082.6(POLR3B):c.634A>G (p.Ser212Gly)

Gene: POLR3B (RNA polymerase III subunit B; plus strand). Cytogenetic location: 12q23.3.
Variant type: single nucleotide variant.
Coding change: c.634A>G on transcript NM_018082.6 (MANE Select); coding-DNA position 634, A replaced by G.
Protein change: p.Ser212Gly; replaces serine 212 with glycine.
Molecular consequence: missense variant.
Genome position (GRCh38, 1-based): chr12:106,380,050, A>G. VCF-style: chr12-106380050-A-G. GRCh37 (hg19) VCF-style: chr12-106773828-A-G.
Other names: c.460A>G, p.Ser154Gly (NM_001160708.2); c.634A>G (NM_018082.5); short protein forms S154G, S212G.
Identifiers: ClinVar variation 3777186 (VCV003777186.1).
Genomic context (GRCh38, chr12:106,380,050, plus strand): 5'-TAAGTGGGGATGCAGTTTAACCAACTTGTATTTACTCATAGCTCTACCCATGAGAAAAAA[A>G]GCAGAACCAATATGGCTGTGAAACAAGGACGATTTTATTTGAGGCATAATACTTTGTCAG-3'
Protein context (NP_060552.4, residues 202-222): SVTSSTHEKK[Ser212Gly]RTNMAVKQGR